The following is an entry in ClinVar:

ClinVar aggregate classification (germline): Conflicting classifications of pathogenicity. Review status: criteria provided, conflicting classifications (1 of 4 stars). 2 submissions from 1 submitter: Uncertain significance (1); Benign (1). Last evaluated 2018-01-12.

Conditions:
Aicardi-Goutieres syndrome 5. Identifiers: Orphanet 51, MedGen C2749659, MONDO:0013059, OMIM 612952.
Chilblain lupus 2 (CHBL2). Identifiers: MedGen C3280721, MONDO:0013739, OMIM 614415.

Allele frequency attached by ClinVar (database versions not stated): gnomAD 0.00038; gnomAD exomes 0.00077; 1000 Genomes Project 30x 0.00078; 1000 Genomes Project 0.00080; ExAC 0.00084; TOPMed 0.00100.
gnomAD v4.1: 1,632 of 1,485,940 alleles (0.11%); highest among the groups gnomAD compares: Non-Finnish European, 0.14%; 1 homozygote.

Submissions (2):

Illumina Laboratory Services, Illumina
Classification: Benign for Chilblain lupus 2. Last evaluated: 2018-01-12. Review status: criteria provided, single submitter. Criteria: ICSL Variant Classification Criteria 13 December 2019. Collection method: clinical testing. Allele origin: germline.
Comment: This variant was observed in the ICSL laboratory as part of a predisposition screen in an ostensibly healthy population. It had not been previously curated by ICSL or reported in the Human Gene Mutation Database (HGMD: prior to June 1st, 2018), and was therefore a candidate for classification through an automated scoring system. Utilizing variant allele frequency, disease prevalence and penetrance estimates, and inheritance mode, an automated score was calculated to assess if this variant is too frequent to cause the disease. Based on the score and internal cut-off values, a variant classified as benign is not then subjected to further curation. The score for this variant resulted in a classification of benign for this disease.

Illumina Laboratory Services, Illumina
Classification: Uncertain significance for Aicardi-Goutieres syndrome 5. Last evaluated: 2018-01-12. Review status: criteria provided, single submitter. Criteria: ICSL Variant Classification Criteria 13 December 2019. Collection method: clinical testing. Allele origin: germline.

NM_015474.4(SAMHD1):c.*95T>C

Genes: SAMHD1 (SAM and HD domain containing deoxynucleoside triphosphate triphosphohydrolase 1; minus strand), TLDC2 (TBC/LysM-associated domain containing 2; plus strand). Cytogenetic location: 20q11.23.
Variant type: single nucleotide variant.
Coding change: c.*95T>C on transcript NM_015474.4 (MANE Select); 95 bases downstream of the stop codon, T replaced by C.
Molecular consequence: 3 prime UTR variant. On other transcripts: intron variant (2).
Genome position (GRCh38, 1-based): chr20:36,892,837, A>G on the plus strand (T>C on the coding strand, the complement: SAMHD1 is on the minus strand). VCF-style: chr20-36892837-A-G. GRCh37 (hg19) VCF-style: chr20-35521240-A-G.
Other names: c.*95T>C (NM_001363729.2); c.*1069T>C (NM_001363733.2); c.*18-25A>G (NM_001304783.1, NM_080628.3).
Identifiers: ClinVar variation 338336 (VCV000338336.5), dbSNP rs147220022, ClinGen allele CA9844381.
Genomic context (GRCh38, chr20:36,892,837, plus strand): 5'-TTTCTTTGATTAAAAGTTACTTAGCTTCAGCATGCGTGTACATTCAAAATACAAAATTAA[A>G]GCATGAGTTGTCATTAATTTGCAGAATTCTATGATTGAAGCCTCTAAATGAATTGTGCAG-3'